The following is an entry in ClinVar:

ClinVar aggregate classification (germline): Uncertain significance (1 of 4 stars; one submission).

Conditions:
Duchenne muscular dystrophy (DMD). Also called: MUSCULAR DYSTROPHY, PSEUDOHYPERTROPHIC PROGRESSIVE, DUCHENNE TYPE; Duchenne Muscular Dystrophy (DMD). Identifiers: Orphanet 98896, MedGen C0013264, MONDO:0010679, OMIM 310200.

Submission:

Labcorp Genetics (formerly Invitae), Labcorp
Classification: Uncertain significance for Duchenne muscular dystrophy. Last evaluated: 2023-11-17. Review status: criteria provided, single submitter. Criteria: Invitae Variant Classification Sherloc (09022015). Collection method: clinical testing. Allele origin: germline.
Comment: This sequence change falls in intron 78 of the DMD gene. It does not directly change the encoded amino acid sequence of the DMD protein. It affects a nucleotide within the consensus splice site. This variant is not present in population databases (gnomAD no frequency). This variant has not been reported in the literature in individuals affected with DMD-related conditions. Variants that disrupt the consensus splice site are a relatively common cause of aberrant splicing (PMID: 17576681, 9536098). Algorithms developed to predict the effect of sequence changes on RNA splicing suggest that this variant is not likely to affect RNA splicing. In summary, the available evidence is currently insufficient to determine the role of this variant in disease. Therefore, it has been classified as a Variant of Uncertain Significance.

Literature cited by the submitters: PubMed 17576681; PubMed 9536098.

NM_004006.3(DMD):c.11047-3C>T

Gene: DMD (dystrophin; minus strand). Cytogenetic location: Xp21.2.
Variant type: single nucleotide variant.
Coding change: c.11047-3C>T on transcript NM_004006.3 (MANE Select); 3 bases into the intron before coding-DNA position 11047, C replaced by T.
Molecular consequence: intron variant.
Genome position (GRCh38, 1-based): chrX:31,121,933, G>A on the plus strand (C>T on the coding strand, the complement: DMD is on the minus strand). VCF-style: chrX-31121933-G-A. GRCh37 (hg19) VCF-style: chrX-31140050-G-A.
Other names: c.11023-3C>T (NM_000109.4); c.7024-3C>T (NM_004011.4); c.7015-3C>T (NM_004012.4); c.3305-3C>T (NM_004023.3); c.3337-3C>T (NM_004020.4); c.3596-3C>T (NM_004022.3); c.3635-3C>T (NM_004021.3); c.3667-3C>T (NM_004013.3); and 7 more.
Identifiers: ClinVar variation 2909057 (VCV002909057.3), dbSNP rs2519034646, ClinGen allele CA2739268181.